The following is an entry in ClinVar:

ClinVar aggregate classification (germline): Uncertain significance. Review status: criteria provided, multiple submitters, no conflicts (2 of 4 stars). 2 submissions from 2 submitters: Uncertain significance (2). Last evaluated 2022-03-26.

Conditions:
Peutz-Jeghers syndrome (PJS). Also called: POLYPOSIS, HAMARTOMATOUS INTESTINAL; POLYPS-AND-SPOTS SYNDROME; Peutz-Jeghers polyposis; Periorificial lentiginosis syndrome. Identifiers: Orphanet 2869, MedGen C0031269, MeSH D010580, MONDO:0008280, OMIM 175200.
Hereditary cancer-predisposing syndrome. Also called: Neoplastic Syndromes, Hereditary; Tumor predisposition; Hereditary neoplastic syndrome; Hereditary Cancer Syndrome. Identifiers: Orphanet 140162, MedGen C0027672, MeSH D009386, MONDO:0015356.

Submissions (2):

Labcorp Genetics (formerly Invitae), Labcorp
Classification: Uncertain significance for Peutz-Jeghers syndrome. Last evaluated: 2022-03-26. Review status: criteria provided, single submitter. Criteria: Invitae Variant Classification Sherloc (09022015). Collection method: clinical testing. Allele origin: germline.
Comment: This sequence change replaces isoleucine, which is neutral and non-polar, with methionine, which is neutral and non-polar, at codon 88 of the STK11 protein (p.Ile88Met). In summary, the available evidence is currently insufficient to determine the role of this variant in disease. Therefore, it has been classified as a Variant of Uncertain Significance. Advanced modeling of protein sequence and biophysical properties (such as structural, functional, and spatial information, amino acid conservation, physicochemical variation, residue mobility, and thermodynamic stability) performed at Invitae indicates that this missense variant is expected to disrupt STK11 protein function. This variant has not been reported in the literature in individuals affected with STK11-related conditions. This variant is not present in population databases (gnomAD no frequency).

Ambry Genetics
Classification: Uncertain significance for Hereditary cancer-predisposing syndrome. Last evaluated: 2020-07-23. Review status: criteria provided, single submitter. Criteria: Ambry Variant Classification Scheme 2023. Collection method: clinical testing. Allele origin: germline.
Comment: The p.I88M variant (also known as c.264C>G), located in coding exon 1 of the STK11 gene, results from a C to G substitution at nucleotide position 264. The isoleucine at codon 88 is replaced by methionine, an amino acid with highly similar properties. This amino acid position is highly conserved in available vertebrate species. In addition, the in silico prediction for this alteration is inconclusive. Since supporting evidence is limited at this time, the clinical significance of this alteration remains unclear.

NM_000455.5(STK11):c.264C>G (p.Ile88Met)

Gene: STK11 (serine/threonine kinase 11; plus strand). Cytogenetic location: 19p13.3.
Variant type: single nucleotide variant.
Coding change: c.264C>G on transcript NM_000455.5 (MANE Select); coding-DNA position 264, C replaced by G.
Protein change: p.Ile88Met; replaces isoleucine 88 with methionine.
Molecular consequence: missense variant.
Genome position (GRCh38, 1-based): chr19:1,207,177, C>G. VCF-style: chr19-1207177-C-G. GRCh37 (hg19) VCF-style: chr19-1207176-C-G.
Other names: c.264C>G, p.Ile88Met (NM_001407255.1); short protein forms I88M.
Identifiers: ClinVar variation 1794298 (VCV001794298.7), dbSNP rs56354945, ClinGen allele CA402944558.